The following is an entry in ClinVar:

ClinVar aggregate classification (germline): Uncertain significance (1 of 4 stars; one submission).

Allele frequency attached by ClinVar (database versions not stated): gnomAD 0.00008 and 0.00007; ExAC 0.00004; gnomAD exomes 0.00007 and 0.00015.
gnomAD v4.1: 237 of 1,613,990 alleles (0.015%); highest among the groups gnomAD compares: Non-Finnish European, 0.018%; no homozygotes.

Submission:

Labcorp Genetics (formerly Invitae), Labcorp
Classification: Uncertain significance. Last evaluated: 2025-11-03. Review status: criteria provided, single submitter. Criteria: Invitae Variant Classification Sherloc (09022015). Collection method: clinical testing. Allele origin: germline.
Comment: This sequence change replaces valine, which is neutral and non-polar, with methionine, which is neutral and non-polar, at codon 59 of the CSF2RB protein (p.Val59Met). This variant is present in population databases (rs770407372, gnomAD 0.01%). This variant has not been reported in the literature in individuals affected with CSF2RB-related conditions. ClinVar contains an entry for this variant (Variation ID: 1414517). Invitae Evidence Modeling of protein sequence and biophysical properties (such as structural, functional, and spatial information, amino acid conservation, physicochemical variation, residue mobility, and thermodynamic stability) indicates that this missense variant is not expected to disrupt CSF2RB protein function with a negative predictive value of 80%. In summary, the available evidence is currently insufficient to determine the role of this variant in disease. Therefore, it has been classified as a Variant of Uncertain Significance.

NM_000395.3(CSF2RB):c.175G>A (p.Val59Met)

Gene: CSF2RB (colony stimulating factor 2 receptor subunit beta; plus strand). Cytogenetic location: 22q12.3.
Variant type: single nucleotide variant.
Coding change: c.175G>A on transcript NM_000395.3 (MANE Select); coding-DNA position 175, G replaced by A.
Protein change: p.Val59Met; replaces valine 59 with methionine.
Molecular consequence: missense variant.
Genome position (GRCh38, 1-based): chr22:36,923,342, G>A. VCF-style: chr22-36923342-G-A. GRCh37 (hg19) VCF-style: chr22-37319384-G-A.
Other names: short protein forms V59M.
Identifiers: ClinVar variation 1414517 (VCV001414517.8), dbSNP rs770407372, ClinGen allele CA10213375.